The following is an entry in ClinVar:

NM_004855.5(PIGB):c.1237G>C (p.Asp413His)

Gene: PIGB (phosphatidylinositol glycan anchor biosynthesis class B; plus strand). Cytogenetic location: 15q21.3.
Variant type: single nucleotide variant.
Coding change: c.1237G>C on transcript NM_004855.5 (MANE Select); coding-DNA position 1237, G replaced by C.
Protein change: p.Asp413His; replaces aspartic acid 413 with histidine.
Molecular consequence: missense variant.
Genome position (GRCh38, 1-based): chr15:55,350,812, G>C. VCF-style: chr15-55350812-G-C. GRCh37 (hg19) VCF-style: chr15-55643010-G-C.
Other names: short protein forms D413H.
Identifiers: ClinVar variation 2189062 (VCV002189062.2), dbSNP rs2543144507, ClinGen allele CA392543639.

ClinVar aggregate classification (germline): Uncertain significance (1 of 4 stars; one submission).

Allele frequency attached by ClinVar (database versions not stated): gnomAD exomes below 0.00001.

Submission:

Labcorp Genetics (formerly Invitae), Labcorp
Classification: Uncertain significance. Last evaluated: 2022-07-09. Review status: criteria provided, single submitter. Criteria: Invitae Variant Classification Sherloc (09022015). Collection method: clinical testing. Allele origin: germline.
Comment: Algorithms developed to predict the effect of missense changes on protein structure and function are either unavailable or do not agree on the potential impact of this missense change (SIFT: "Deleterious"; PolyPhen-2: "Probably Damaging"; Align-GVGD: "Class C0"). This variant has not been reported in the literature in individuals affected with PIGB-related conditions. This variant is not present in population databases (gnomAD no frequency). This sequence change replaces aspartic acid, which is acidic and polar, with histidine, which is basic and polar, at codon 413 of the PIGB protein (p.Asp413His). In summary, the available evidence is currently insufficient to determine the role of this variant in disease. Therefore, it has been classified as a Variant of Uncertain Significance.